The following is an entry in ClinVar:

NM_001184880.2(PCDH19):c.3044dup (p.Ala1016fs)

Gene: PCDH19 (protocadherin 19; minus strand). Cytogenetic location: Xq22.1.
Variant type: Duplication.
Coding change: c.3044dup on transcript NM_001184880.2 (MANE Select); coding-DNA position 3044, one base duplicated (T; older notation c.3044dupT).
Protein change: p.Ala1016fs; shifts the reading frame from alanine 1016.
Molecular consequence: frameshift variant.
Genome position (GRCh38, 1-based): chrX:100,296,680, A duplicated on the plus strand (T on the coding strand, the reverse complement: PCDH19 is on the minus strand); the first of 3 consecutive A bases (chrX:100,296,680-100,296,682); duplicating any one gives the same sequence. VCF-style (leftmost placement, unchanged base first): chrX-100296679-G-GA. GRCh37 (hg19) VCF-style: chrX-99551677-G-GA.
Other names: c.2903dup, p.Ala969fs (NM_001105243.2); c.2900dup, p.Ala968fs (NM_020766.3); short protein forms A1016fs, A968fs, A969fs.
Identifiers: ClinVar variation 3648004 (VCV003648004.2).

ClinVar aggregate classification (germline): Pathogenic (1 of 4 stars; one submission).

Conditions:
Developmental and epileptic encephalopathy, 9 (DEE9). Also called: Early infantile epileptic encephalopathy 9; PCDH19-Related X-Linked Female-Limited Epilepsy with Mental Retardation; EPILEPSY, FEMALE-RESTRICTED, WITH MENTAL RETARDATION; JUBERG-HELLMAN SYNDROME. Identifiers: Orphanet 101039, Orphanet 2076, MedGen C1848137, MONDO:0010246, OMIM 300088. Disease mechanism: loss of function.

Submission:

Labcorp Genetics (formerly Invitae), Labcorp
Classification: Pathogenic for Developmental and epileptic encephalopathy, 9. Last evaluated: 2024-03-28. Review status: criteria provided, single submitter. Criteria: Invitae Variant Classification Sherloc (09022015). Collection method: clinical testing. Allele origin: germline.
Comment: This sequence change creates a premature translational stop signal (p.Ala1016Argfs*13) in the PCDH19 gene. While this is not anticipated to result in nonsense mediated decay, it is expected to disrupt the last 133 amino acid(s) of the PCDH19 protein. This variant is not present in population databases (gnomAD no frequency). This variant has not been reported in the literature in individuals affected with PCDH19-related conditions. This variant disrupts a region of the PCDH19 protein in which other variant(s) (p.Tyr1083Serfs*47) have been determined to be pathogenic (Invitae). This suggests that this is a clinically significant region of the protein, and that variants that disrupt it are likely to be disease-causing. For these reasons, this variant has been classified as Pathogenic.